The following is an entry in ClinVar:

ClinVar aggregate classification (germline): Uncertain significance (1 of 4 stars; one submission).

gnomAD v4.1: 4 of 1,534,406 alleles (0.00026%); highest among the groups gnomAD compares: African/African-American, 0.0041%; no homozygotes.

Submission:

Women's Health and Genetics/Laboratory Corporation of America, LabCorp
Classification: Uncertain significance. Last evaluated: 2024-05-23. Review status: criteria provided, single submitter. Criteria: LabCorp Variant Classification Summary - May 2015. Collection method: clinical testing. Allele origin: germline.
Comment: Variant summary: COL27A1 c.1901G>A (p.Gly634Asp) results in a non-conservative amino acid change located in a Collagen triple helix repeat (IPR008160) of the encoded protein sequence. Five of five in-silico tools predict a damaging effect of the variant on protein function. The variant was absent in 188414 control chromosomes (gnomAD). The available data on variant occurrences in the general population are insufficient to allow any conclusion about variant significance. To our knowledge, no occurrence of c.1901G>A in individuals affected with Steel syndrome and no experimental evidence demonstrating its impact on protein function have been reported. No submitters have cited clinical-significance assessments for this variant to ClinVar. Based on the evidence outlined above, the variant was classified as uncertain significance.

NM_032888.4(COL27A1):c.1901G>A (p.Gly634Asp)

Gene: COL27A1 (collagen type XXVII alpha 1 chain; plus strand). Cytogenetic location: 9q32.
Variant type: single nucleotide variant.
Coding change: c.1901G>A on transcript NM_032888.4 (MANE Select); coding-DNA position 1901, G replaced by A.
Protein change: p.Gly634Asp; replaces glycine 634 with aspartic acid.
Molecular consequence: missense variant.
Genome position (GRCh38, 1-based): chr9:114,169,456, G>A. VCF-style: chr9-114169456-G-A. GRCh37 (hg19) VCF-style: chr9-116931736-G-A.
Other names: short protein forms G634D.
Identifiers: ClinVar variation 3336425 (VCV003336425.1).